The following is an entry in ClinVar:

ClinVar aggregate classification (germline): Uncertain significance (1 of 4 stars; one submission).

Conditions:
Achondrogenesis, type IB (ACG1B). Also called: Achondrogenesis Type 1B. Identifiers: Orphanet 932, Orphanet 93298, MedGen C0265274, MONDO:0010966, OMIM 600972.
Multiple epiphyseal dysplasia type 4 (EDM4). Also called: SLC26A2-Related Multiple Epiphyseal Dysplasia; Multiple Epiphyseal Dysplasia, Recessive; MULTIPLE EPIPHYSEAL DYSPLASIA WITH BILAYERED PATELLAE; MULTIPLE EPIPHYSEAL DYSPLASIA WITH CLUBFOOT; MULTIPLE EPIPHYSEAL DYSPLASIA, AUTOSOMAL RECESSIVE. Identifiers: Orphanet 93307, MedGen C1847593, MONDO:0009189, OMIM 226900.
Atelosteogenesis type II (AO2). Also called: Neonatal osseous dysplasia 1; SLC26A2-Related Atelosteogenesis; NEONATAL OSSEOUS DYSPLASIA I. Identifiers: Orphanet 56304, MedGen C1850554, MONDO:0009727, OMIM 256050.
Diastrophic dysplasia (DTD). Also called: Diastrophic dwarfism. Identifiers: Orphanet 628, MedGen C0220726, MONDO:0009107, OMIM 222600.

Allele frequency attached by ClinVar (database versions not stated): gnomAD exomes below 0.00001; TOPMed below 0.00001.

Submission:

Labcorp Genetics (formerly Invitae), Labcorp
Classification: Uncertain significance for Atelosteogenesis type II; Multiple epiphyseal dysplasia type 4; Achondrogenesis, type IB; Diastrophic dysplasia. Last evaluated: 2025-06-27. Review status: criteria provided, single submitter. Criteria: Invitae Variant Classification Sherloc (09022015). Collection method: clinical testing. Allele origin: germline.
Comment: This variant, c.990_992del, results in the deletion of 1 amino acid(s) of the SLC26A2 protein (p.Ala331del), but otherwise preserves the integrity of the reading frame. This variant is present in population databases (no rsID available, gnomAD 0.0009%). This variant has not been reported in the literature in individuals affected with SLC26A2-related conditions. ClinVar contains an entry for this variant (Variation ID: 2141748). Experimental studies and prediction algorithms are not available or were not evaluated, and the functional significance of this variant is currently unknown. In summary, the available evidence is currently insufficient to determine the role of this variant in disease. Therefore, it has been classified as a Variant of Uncertain Significance.

NM_000112.4(SLC26A2):c.990_992del (p.Ala331del)

Gene: SLC26A2 (solute carrier family 26 member 2; plus strand). Cytogenetic location: 5q32.
Variant type: Deletion.
Coding change: c.990_992del on transcript NM_000112.4 (MANE Select); coding-DNA positions 990 to 992, 3 bases deleted (GGC; older notation c.990_992delGGC).
Protein change: p.Ala331del; deletes alanine 331.
Molecular consequence: inframe deletion.
Genome position (GRCh38, 1-based): chr5:149,980,583-149,980,585, GGC deleted. VCF-style (leftmost placement, unchanged base first): chr5-149980582-AGGC-A. GRCh37 (hg19) VCF-style: chr5-149360145-AGGC-A.
Other names: short protein forms A331del.
Identifiers: ClinVar variation 2141748 (VCV002141748.2), dbSNP rs1202996931, ClinGen allele CA563955703.